The following is an entry in ClinVar:

ClinVar aggregate classification (germline): Likely pathogenic. Review status: criteria provided, multiple submitters, no conflicts (2 of 4 stars). 2 submissions from 2 submitters: Likely pathogenic (2). Last evaluated 2023-02-25.

Conditions:
Vici syndrome (VICIS). Identifiers: Orphanet 1493, MedGen C1855772, MONDO:0009452, OMIM 242840.

Submissions (2):

Labcorp Genetics (formerly Invitae), Labcorp
Classification: Likely pathogenic for Vici syndrome. Last evaluated: 2023-02-25. Review status: criteria provided, single submitter. Criteria: Invitae Variant Classification Sherloc (09022015). Collection method: clinical testing. Allele origin: germline.
Comment: This sequence change falls in intron 35 of the EPG5 gene. It does not directly change the encoded amino acid sequence of the EPG5 protein. RNA analysis indicates that this variant induces altered splicing and may result in an absent or disrupted protein product. In summary, the currently available evidence indicates that the variant is pathogenic, but additional data are needed to prove that conclusively. Therefore, this variant has been classified as Likely Pathogenic. Variants that disrupt the consensus splice site are a relatively common cause of aberrant splicing (PMID: 17576681, 9536098). Studies have shown that this variant results in skipping of exon 35 and introduces a premature termination codon (PMID: 29159459). The resulting mRNA is expected to undergo nonsense-mediated decay. ClinVar contains an entry for this variant (Variation ID: 869405). This variant has been observed in individual(s) with Vici syndrome (PMID: 29159459, 33303739). In at least one individual the data is consistent with being in trans (on the opposite chromosome) from a pathogenic variant. This variant is not present in population databases (gnomAD no frequency).

Kids Research, The Children's Hospital at Westmead
Classification: Likely pathogenic for Vici syndrome. Review status: criteria provided, single submitter. Criteria: ACMG Guidelines, 2015. Collection method: research. Allele origin: inherited. Inheritance: Autosomal recessive inheritance. Affected: yes.

Literature cited by the submitters: PubMed 17576681 (cited by Labcorp Genetics (formerly Invitae), Labcorp); PubMed 9536098 (cited by Labcorp Genetics (formerly Invitae), Labcorp); PubMed 29159459 (cited by Labcorp Genetics (formerly Invitae), Labcorp); PubMed 33303739 (cited by Labcorp Genetics (formerly Invitae), Labcorp); PubMed 32313153 (cited by Kids Research, The Children's Hospital at Westmead).

NM_020964.3(EPG5):c.6049+5G>A

Gene: EPG5 (ectopic P-granules 5 autophagy tethering factor; minus strand). Cytogenetic location: 18q12.3.
Variant type: single nucleotide variant.
Coding change: c.6049+5G>A on transcript NM_020964.3 (MANE Select); 5 bases into the intron after coding-DNA position 6049, G replaced by A.
Molecular consequence: intron variant.
Genome position (GRCh38, 1-based): chr18:45,876,231, C>T on the plus strand (G>A on the coding strand, the complement: EPG5 is on the minus strand). VCF-style: chr18-45876231-C-T. GRCh37 (hg19) VCF-style: chr18-43456196-C-T.
Identifiers: ClinVar variation 869405 (VCV000869405.5), dbSNP rs2048968935, ClinGen allele CA916083640.